The following is an entry in ClinVar:

ClinVar aggregate classification (germline): Uncertain significance (1 of 4 stars; one submission).

Conditions:
Brown-Vialetto-van Laere syndrome 1. Also called: BROWN-VIALETTO-VAN LAERE SYNDROME 1, MILD; BULBAR PALSY, PROGRESSIVE, WITH SENSORINEURAL DEAFNESS; PONTOBULBAR PALSY WITH DEAFNESS. Identifiers: Orphanet 572550, Orphanet 97229, MedGen C0796274, MONDO:0024537, OMIM 211530.

Submission:

Labcorp Genetics (formerly Invitae), Labcorp
Classification: Uncertain significance for Brown-Vialetto-van Laere syndrome 1. Last evaluated: 2022-08-20. Review status: criteria provided, single submitter. Criteria: Invitae Variant Classification Sherloc (09022015). Collection method: clinical testing. Allele origin: germline.
Comment: In summary, the available evidence is currently insufficient to determine the role of this variant in disease. Therefore, it has been classified as a Variant of Uncertain Significance. Algorithms developed to predict the effect of missense changes on protein structure and function are either unavailable or do not agree on the potential impact of this missense change (SIFT: "Deleterious"; PolyPhen-2: "Benign"; Align-GVGD: "Class C15"). This variant has not been reported in the literature in individuals affected with SLC52A3-related conditions. This variant is not present in population databases (gnomAD no frequency). This sequence change replaces glycine, which is neutral and non-polar, with cysteine, which is neutral and slightly polar, at codon 375 of the SLC52A3 protein (p.Gly375Cys).

NM_033409.4(SLC52A3):c.1123G>T (p.Gly375Cys)

Gene: SLC52A3 (solute carrier family 52 member 3; minus strand). Cytogenetic location: 20p13.
Variant type: single nucleotide variant.
Coding change: c.1123G>T on transcript NM_033409.4 (MANE Select); coding-DNA position 1123, G replaced by T.
Protein change: p.Gly375Cys; replaces glycine 375 with cysteine.
Molecular consequence: missense variant.
Genome position (GRCh38, 1-based): chr20:761,775, C>A on the plus strand (G>T on the coding strand, the complement: SLC52A3 is on the minus strand). VCF-style: chr20-761775-C-A. GRCh37 (hg19) VCF-style: chr20-742419-C-A.
Other names: c.1123G>T, p.Gly375Cys (NM_001370085.1, NM_001370086.1); short protein forms G375C.
Identifiers: ClinVar variation 1717038 (VCV001717038.5), dbSNP rs2514845530, ClinGen allele CA407962401.